The following is an entry in ClinVar:

NM_000188.3(HK1):c.1525G>A (p.Val509Ile)

Gene: HK1 (hexokinase 1; plus strand). Cytogenetic location: 10q22.1.
Variant type: single nucleotide variant.
Coding change: c.1525G>A on transcript NM_000188.3 (MANE Select); coding-DNA position 1525, G replaced by A.
Protein change: p.Val509Ile; replaces valine 509 with isoleucine.
Molecular consequence: missense variant.
Genome position (GRCh38, 1-based): chr10:69,382,746, G>A. VCF-style: chr10-69382746-G-A. GRCh37 (hg19) VCF-style: chr10-71142502-G-A.
Other names: c.1537G>A, p.Val513Ile (NM_001322364.2, NM_001358263.1, NM_033497.3 and 1 more transcripts); c.1630G>A, p.Val544Ile (NM_001322365.2); c.1441G>A, p.Val481Ile (NM_001322366.1); c.1429G>A, p.Val477Ile (NM_001322367.1); c.1522G>A, p.Val508Ile (NM_033496.3); c.1489G>A, p.Val497Ile (NM_033500.2); short protein forms V477I, V481I, V497I, V508I, V509I, V513I, V544I.
Identifiers: ClinVar variation 1333598 (VCV001333598.1), dbSNP rs2132886004, ClinGen allele CA376910219.

ClinVar aggregate classification (germline): Uncertain significance (1 of 4 stars; one submission).

Conditions:
Retinitis pigmentosa 79 (RP79). Identifiers: MedGen C4479526, MONDO:0044320, OMIM 617460.

Submission:

3billion
Classification: Uncertain significance for Retinitis pigmentosa 79. Last evaluated: 2022-01-03. Review status: criteria provided, single submitter. Criteria: ACMG Guidelines, 2015. Collection method: clinical testing. Allele origin: germline. Affected: yes. Observed: 1 heterozygote.
Comment: The variant is not observed in the gnomAD v2.1.1 dataset (PM2_M). A missense variant is a common mechanism associated with Retinitis pigmentosa 79 (PP2_P). Therefore, this variant is classified as uncertain significance according to the recommendation of ACMG/AMP guideline.